The following is an entry in ClinVar:

NM_001184.4(ATR):c.2290A>G (p.Lys764Glu)

Gene: ATR (ATR checkpoint kinase; minus strand). Cytogenetic location: 3q23.
Variant type: single nucleotide variant.
Coding change: c.2290A>G on transcript NM_001184.4 (MANE Select); coding-DNA position 2290, A replaced by G.
Protein change: p.Lys764Glu; replaces lysine 764 with glutamic acid.
Molecular consequence: missense variant.
Genome position (GRCh38, 1-based): chr3:142,555,928, T>C on the plus strand (A>G on the coding strand, the complement: ATR is on the minus strand). VCF-style: chr3-142555928-T-C. GRCh37 (hg19) VCF-style: chr3-142274770-T-C.
Other names: c.2098A>G, p.Lys700Glu (NM_001354579.2); short protein forms K764E, K700E.
Identifiers: ClinVar variation 157970 (VCV000157970.66), dbSNP rs77208665, ClinGen allele CA345968.

ClinVar aggregate classification (germline): Conflicting classifications of pathogenicity. Review status: criteria provided, conflicting classifications (1 of 4 stars). 7 submissions from 7 submitters: Uncertain significance (1); Benign (3); Likely benign (2). 1 of the submissions does not count toward it. Last evaluated 2026-09-01.

Conditions:
Seckel syndrome 1 (SCKL1). Also called: MICROCEPHALIC PRIMORDIAL DWARFISM I. Identifiers: Orphanet 808, MedGen C4551474, MONDO:0008869, OMIM 210600.

Allele frequency attached by ClinVar (database versions not stated): 1000 Genomes Project 30x 0.00187; 1000 Genomes Project 0.00200; ExAC 0.00326; gnomAD exomes 0.00329 and 0.00465; gnomAD 0.00340; TOPMed 0.00351; ESP Exome Variant Server 0.00454.
gnomAD v4.1: 7,402 of 1,612,994 alleles (0.46%); highest among the groups gnomAD compares: Non-Finnish European, 0.54%; 32 homozygotes.

Submissions (7):

CeGaT Center for Human Genetics Tuebingen
Classification: Likely benign. Last evaluated: 2026-09-01. Review status: criteria provided, single submitter. Criteria: CeGaT Center For Human Genetics Tuebingen Variant Classification Criteria Version 2. Collection method: clinical testing. Allele origin: germline. Affected: yes. Observed: 43 variant alleles.
Comment: ATR: BP4, BS2

Labcorp Genetics (formerly Invitae), Labcorp
Classification: Benign. Last evaluated: 2026-02-01. Review status: criteria provided, single submitter. Criteria: Invitae Variant Classification Sherloc (09022015). Collection method: clinical testing. Allele origin: germline.

GeneDx
Classification: Benign. Last evaluated: 2019-10-14. Review status: criteria provided, single submitter. Criteria: GeneDx Variant Classification Process June 2021. Collection method: clinical testing. Allele origin: germline. Affected: yes.
Comment: This variant is associated with the following publications: (PMID: 28787443)

Illumina Laboratory Services, Illumina
Classification: Benign for Seckel syndrome 1. Last evaluated: 2017-04-27. Review status: criteria provided, single submitter. Criteria: ICSL Variant Classification Criteria 13 December 2019. Collection method: clinical testing. Allele origin: germline.
Comment: This variant was observed as part of a predisposition screen in an ostensibly healthy population. A literature search was performed for the gene, cDNA change, and amino acid change (where applicable). Publications were found based on this search. The evidence from the literature, in combination with allele frequency data from public databases where available, was sufficient to rule this variant out of causing disease. Therefore, this variant is classified as benign.

Center for Pediatric Genomic Medicine, Children's Mercy Hospital and Clinics
Classification: Likely benign. Last evaluated: 2016-01-20. Review status: criteria provided, single submitter. Criteria: ACMG Guidelines, 2015. Collection method: clinical testing. Allele origin: germline.
ClinVar note: Converted during submission from Likely Benign to Likely benign.

Genetic Services Laboratory, University of Chicago
Classification: Uncertain significance for Seckel syndrome 1. Last evaluated: 2013-11-14. Review status: criteria provided, single submitter. Criteria: ACMG Guidelines, 2007. Collection method: clinical testing. Allele origin: germline. Inheritance: Autosomal recessive inheritance.

Department of Pathology and Laboratory Medicine, Sinai Health System
Classification: Uncertain significance. Review status: no assertion criteria provided. Collection method: clinical testing. Allele origin: unknown. Affected: yes. Study: The Canadian Open Genetics Repository (COGR). Not counted in ClinVar's aggregate classification.
Comment: The ATR p.Lys764Glu variant was identified in 1 of 100 proband chromosomes (frequency: 0.01) from individuals or families with breast cancer and was not identified in 72 control chromosomes from healthy individuals (Durocher_2006_17010193). In Wang et al., the variant was also identified in 1/48 breast cancer tumours (Wang_2008_PMID: 18281469). The variant was also identified in the following databases: dbSNP (ID: rs77208665) and was found in ClinVar (where it was reported as likely benign and a VUS for Seckel syndrome 1), Clinvitae, Cosmic (with a FATHMM prediction of Pathogenic (score=0.95)), MutDB and LOVD 3.0. The variant was identified in control databases in 902 of 281492 chromosomes (5 homozygous) at a frequency of 0.003204 increasing the likelihood this could be a low frequency benign variant (Genome Aggregation Database Feb 27, 2017). The variant was observed in the following populations: Ashkenazi Jewish in 64 of 10326 chromosomes (freq: 0.006198), European (non-Finnish) in 630 of 128766 chromosomes (freq: 0.004893), other in 26 of 7180 chromosomes (freq: 0.003621), Latino in 89 of 35200 chromosomes (freq: 0.002528), European (Finnish) in 53 of 25088 chromosomes (freq: 0.002113), South Asian in 26 of 30084 chromosomes (freq: 0.000864) and African in 14 of 24956 chromosomes (freq: 0.000561); it was not observed in the East Asian populations. The p.Lys764 residue is not highly conserved in mammals and computational analyses (PolyPhen-2, SIFT, AlignGVGD, BLOSUM, MutationTaster) provide inconsistent predictions regarding the impact to the protein; this information is not very predictive of pathogenicity. In summary, based on the above information the clinical significance of this variant cannot be determined with certainty at this time. This variant is classified as a variant of uncertain significance.

Literature cited by the submitters: PubMed 17010193 (cited by Illumina Laboratory Services, Illumina).